The following is an entry in ClinVar:

NM_000245.4(MET):c.438T>C (p.Phe146=)

Gene: MET (MET proto-oncogene, receptor tyrosine kinase; plus strand). Cytogenetic location: 7q31.2.
Variant type: single nucleotide variant.
Coding change: c.438T>C on transcript NM_000245.4 (MANE Select); coding-DNA position 438, T replaced by C.
Protein change: p.Phe146=; no amino-acid change (phenylalanine 146 retained).
Molecular consequence: synonymous variant. On other transcripts: intron variant (1).
Genome position (GRCh38, 1-based): chr7:116,699,522, T>C. VCF-style: chr7-116699522-T-C. GRCh37 (hg19) VCF-style: chr7-116339576-T-C.
Other names: c.438T>C, p.Phe146= (NM_001127500.3, NM_001324401.3); c.-91+26945T>C (NM_001324402.2).
Identifiers: ClinVar variation 3294324 (VCV003294324.2).

ClinVar aggregate classification (germline): Benign/Likely benign. Review status: criteria provided, multiple submitters, no conflicts (2 of 4 stars). 2 submissions from 2 submitters: Benign (1); Likely benign (1). Last evaluated 2024-11-06.

Conditions:
Papillary renal cell carcinoma type 1 (RCCP1). Also called: RENAL CELL CARCINOMA, PAPILLARY, 1, SOMATIC; Renal adenocarcinoma; Renal cell carcinoma 1; Renal cell carcinoma, somatic. Identifiers: Orphanet 47044, MedGen C1336839, OMIM 605074, HP:0011797.
Hereditary cancer-predisposing syndrome. Also called: Tumor predisposition; Hereditary Cancer Syndrome; Hereditary neoplastic syndrome; Neoplastic Syndromes, Hereditary. Identifiers: Orphanet 140162, MedGen C0027672, MeSH D009386, MONDO:0015356.

Submissions (2):

Myriad Genetics, Inc.
Classification: Benign for Papillary renal cell carcinoma type 1. Last evaluated: 2024-11-06. Review status: criteria provided, single submitter. Criteria: Myriad Autosomal Dominant, Autosomal Recessive and X-Linked Classification Criteria (2023). Collection method: clinical testing. Allele origin: unknown.
Comment: This variant is considered benign. This variant is a silent/synonymous amino acid change and it is not expected to impact splicing.

Ambry Genetics
Classification: Likely benign for Hereditary cancer-predisposing syndrome. Last evaluated: 2024-03-23. Review status: criteria provided, single submitter. Criteria: Ambry Variant Classification Scheme 2023. Collection method: clinical testing. Allele origin: germline.